The following is an entry in ClinVar:

ClinVar aggregate classification (germline): Likely benign. Review status: criteria provided, multiple submitters, no conflicts (2 of 4 stars). 4 submissions from 4 submitters: Likely benign (3). 1 of the submissions does not count toward it. Last evaluated 2024-09-01.

Conditions:
SLIT3-related disorder. Also called: SLIT3-related condition.

Allele frequency attached by ClinVar (database versions not stated): ESP Exome Variant Server 0.00015; gnomAD 0.00016; TOPMed 0.00016; 1000 Genomes Project 30x 0.00031; 1000 Genomes Project 0.00040.
gnomAD v4.1: 697 of 1,596,326 alleles (0.044%); highest among the groups gnomAD compares: South Asian, 0.55%; 9 homozygotes.

Submissions (4):

CeGaT Center for Human Genetics Tuebingen
Classification: Likely benign. Last evaluated: 2024-09-01. Review status: criteria provided, single submitter. Criteria: CeGaT Center For Human Genetics Tuebingen Variant Classification Criteria Version 2. Collection method: clinical testing. Allele origin: germline. Affected: yes. Observed: 2 variant alleles.
Comment: SLIT3: BS2

Labcorp Genetics (formerly Invitae), Labcorp
Classification: Likely benign. Last evaluated: 2018-04-12. Review status: criteria provided, single submitter. Criteria: Invitae Variant Classification Sherloc (09022015). Collection method: clinical testing. Allele origin: germline.

Breakthrough Genomics
Classification: Likely benign. Review status: criteria provided, single submitter. Criteria: ACMG Guidelines, 2015. Collection method: not provided. Allele origin: germline. Inheritance: Unknown mechanism. Affected: yes.

PreventionGenetics, part of Exact Sciences
Classification: Likely benign for SLIT3-related condition. Last evaluated: 2021-09-19. Review status: no assertion criteria provided. Collection method: clinical testing. Allele origin: germline. Not counted in ClinVar's aggregate classification.
Comment: This variant is classified as likely benign based on ACMG/AMP sequence variant interpretation guidelines (Richards et al. 2015 PMID: 25741868, with internal and published modifications).

NM_003062.4(SLIT3):c.3505G>C (p.Val1169Leu)

Gene: SLIT3 (slit guidance ligand 3; minus strand). Cytogenetic location: 5q34.
Variant type: single nucleotide variant.
Coding change: c.3505G>C on transcript NM_003062.4 (MANE Select); coding-DNA position 3505, G replaced by C.
Protein change: p.Val1169Leu; replaces valine 1169 with leucine.
Molecular consequence: missense variant.
Genome position (GRCh38, 1-based): chr5:168,685,737, C>G on the plus strand (G>C on the coding strand, the complement: SLIT3 is on the minus strand). VCF-style: chr5-168685737-C-G. GRCh37 (hg19) VCF-style: chr5-168112742-C-G.
Other names: c.3526G>C, p.Val1176Leu (NM_001271946.2); c.3526G>C (NM_001271946.1); short protein forms V1169L, V1176L.
Identifiers: ClinVar variation 711944 (VCV000711944.28), dbSNP rs144799628, ClinGen allele CA3550905.